The following is an entry in ClinVar:

ClinVar aggregate classification (germline): Likely benign. Review status: criteria provided, single submitter (1 of 4 stars). 2 submissions from 2 submitters: Likely benign (1). 1 of the submissions does not count toward it. Last evaluated 2025-07-02.

Conditions:
DGUOK-related disorder. Also called: DGUOK-related condition.

gnomAD v4.1: 20 of 1,613,914 alleles (0.0012%); highest among the groups gnomAD compares: Admixed American, 0.02%; no homozygotes.

Submissions (2):

Labcorp Genetics (formerly Invitae), Labcorp
Classification: Likely benign. Last evaluated: 2025-07-02. Review status: criteria provided, single submitter. Criteria: Invitae Variant Classification Sherloc (09022015). Collection method: clinical testing. Allele origin: germline.

PreventionGenetics, part of Exact Sciences
Classification: Likely benign for DGUOK-related condition. Last evaluated: 2021-08-19. Review status: no assertion criteria provided. Collection method: clinical testing. Allele origin: germline. Not counted in ClinVar's aggregate classification.
Comment: This variant is classified as likely benign based on ACMG/AMP sequence variant interpretation guidelines (Richards et al. 2015 PMID: 25741868, with internal and published modifications).

NM_080916.3(DGUOK):c.198C>T (p.His66=)

Gene: DGUOK (deoxyguanosine kinase; plus strand). Cytogenetic location: 2p13.1.
Variant type: single nucleotide variant.
Coding change: c.198C>T on transcript NM_080916.3 (MANE Select); coding-DNA position 198, C replaced by T.
Protein change: p.His66=; no amino-acid change (histidine 66 retained).
Molecular consequence: synonymous variant. On other transcripts: intron variant (4).
Genome position (GRCh38, 1-based): chr2:73,938,965, C>T. VCF-style: chr2-73938965-C-T. GRCh37 (hg19) VCF-style: chr2-74166092-C-T.
Other names: c.198C>T, p.His66= (NM_001318859.2, NM_080918.3); c.-37+6282C>T (NM_001318861.2, NM_001318862.2); c.-36-7754C>T (NM_001318860.2, NM_001318863.2); c.198C>T (NM_080916.2).
Identifiers: ClinVar variation 1989361 (VCV001989361.6), dbSNP rs138034585, ClinGen allele CA1718195.
Genomic context (GRCh38, chr2:73,938,965, plus strand): 5'-TGCAGCTGTGGGAAAGTCCACGTTTGTGAAGTTACTCACGAAAACTTACCCAGAATGGCA[C>T]GTAGCTACAGAACCTGTAGCAACATGGCAGAATATCCAGGCTGCTGGCACCCAAAAAGTA-3'
Protein context (NP_550438.1, residues 56-76): KLLTKTYPEW[His66=]VATEPVATWQ